The following is an entry in ClinVar:

Conditions:
Breast-ovarian cancer, familial, susceptibility to, 1 (BROVCA1). Also called: BRCA1 Hereditary Breast and Ovarian Cancer; OVARIAN CANCER, SUSCEPTIBILITY TO. Identifiers: Orphanet 145, MedGen C2676676, MONDO:0011450, OMIM 604370. Disease mechanism: loss of function.

Submission:

Brotman Baty Institute, University of Washington
No classification provided (evidence only). Condition: Breast-ovarian cancer, familial 1. Review status: no classification provided. Collection method: in vitro. Allele origin: not applicable. Functional consequence: functionally_abnormal.
ClinVar note: "not provided" was previously submitted as the classification for the variant. However, the classification appeared to be based only on an observation of functional data so it was converted to no classification on 2025-07-30.

NM_007294.4(BRCA1):c.196A>T (p.Asn66Tyr)

Gene: BRCA1 (BRCA1 DNA repair associated; minus strand). Cytogenetic location: 17q21.31.
Variant type: single nucleotide variant.
Coding change: c.196A>T on transcript NM_007294.4 (MANE Select); coding-DNA position 196, A replaced by T.
Protein change: p.Asn66Tyr; replaces asparagine 66 with tyrosine.
Molecular consequence: missense variant.
Genome position (GRCh38, 1-based): chr17:43,106,472, T>A on the plus strand (A>T on the coding strand, the complement: BRCA1 is on the minus strand). VCF-style: chr17-43106472-T-A. GRCh37 (hg19) VCF-style: chr17-41258489-T-A.
Other names: c.196A>T, p.Asn66Tyr (NM_001407581.1, NM_001407582.1, NM_001407583.1 and 168 more transcripts); c.55A>T, p.Asn19Tyr (NM_001407692.1, NM_001407694.1, NM_001407695.1 and 99 more transcripts); short protein forms N66Y, N19Y.
Identifiers: ClinVar variation 865247 (VCV000865247.3), dbSNP rs2054774871, ClinGen allele CA10601775.
Genomic context (GRCh38, chr17:43,106,472, plus strand): 5'-TACTGTGGTTGCTTCCAACCTAGCATCATTACCAAATTATATACCTTTTGGTTATATCAT[T>A]CTTACATAAAGGACACTGTGAAGGCCCTTTCTTCTGGTTGAGAAGTTTCAGCATGCAAAA-3'
Protein context (NP_009225.1, residues 56-76): KGPSQCPLCK[Asn66Tyr]DITKRSLQES